The following is an entry in ClinVar:

NM_005732.4(RAD50):c.154del (p.Ile52fs)

Gene: RAD50 (RAD50 double strand break repair protein; plus strand). Cytogenetic location: 5q31.1.
Variant type: Deletion.
Coding change: c.154del on transcript NM_005732.4 (MANE Select); coding-DNA position 154, one base deleted (A; older notation c.154delA).
Protein change: p.Ile52fs; shifts the reading frame from isoleucine 52.
Molecular consequence: frameshift variant.
Genome position (GRCh38, 1-based): chr5:132,559,308, A deleted. VCF-style (leftmost placement, unchanged base first): chr5-132559307-TA-T. GRCh37 (hg19) VCF-style: chr5-131894999-TA-T.
Other names: short protein forms I52fs.
Identifiers: ClinVar variation 232555 (VCV000232555.12), dbSNP rs876659837, ClinGen allele CA10578475.
Genomic context (GRCh38, chr5:132,559,307, plus strand): 5'-TCTTATAACGAAATAATGTAATTTTCTATTTCTTTAGACCATCATTGAATGTCTAAAATA[TA>T]TTTGTACTGGAGATTTCCCTCCTGGAACCAAAGGAAATACATTTGTACACGATCCCAAGG-3'

ClinVar aggregate classification (germline): Pathogenic. Review status: criteria provided, multiple submitters, no conflicts (2 of 4 stars). 2 submissions from 2 submitters: Pathogenic (2). Last evaluated 2024-03-01.

Conditions:
Hereditary cancer-predisposing syndrome. Also called: Neoplastic Syndromes, Hereditary; Tumor predisposition; Hereditary Cancer Syndrome; Hereditary neoplastic syndrome. Identifiers: Orphanet 140162, MedGen C0027672, MeSH D009386, MONDO:0015356.

Allele frequency attached by ClinVar (database versions not stated): gnomAD exomes below 0.00001.

Submissions (2):

Labcorp Genetics (formerly Invitae), Labcorp
Classification: Pathogenic for Hereditary cancer-predisposing syndrome. Last evaluated: 2024-03-01. Review status: criteria provided, single submitter. Criteria: Invitae Variant Classification Sherloc (09022015). Collection method: clinical testing. Allele origin: germline.
Comment: This sequence change creates a premature translational stop signal (p.Ile52Phefs*27) in the RAD50 gene. It is expected to result in an absent or disrupted protein product. Loss-of-function variants in RAD50 are known to be pathogenic (PMID: 19409520). This variant is not present in population databases (gnomAD no frequency). This variant has not been reported in the literature in individuals affected with RAD50-related conditions. ClinVar contains an entry for this variant (Variation ID: 232555). For these reasons, this variant has been classified as Pathogenic.

Ambry Genetics
Classification: Pathogenic for Hereditary cancer-predisposing syndrome. Last evaluated: 2018-10-03. Review status: criteria provided, single submitter. Criteria: Ambry Variant Classification Scheme 2023. Collection method: clinical testing. Allele origin: germline.
Comment: The c.154delA pathogenic mutation, located in coding exon 2 of the RAD50 gene, results from a deletion of one nucleotide at nucleotide position 154, causing a translational frameshift with a predicted alternate stop codon (p.I52Ffs*27). This alteration is expected to result in loss of function by premature protein truncation or nonsense-mediated mRNA decay. As such, this alteration is interpreted as a disease-causing mutation.

Literature cited by the submitters: PubMed 19409520 (cited by Labcorp Genetics (formerly Invitae), Labcorp).